The following is an entry in ClinVar:

NM_005334.3(HCFC1):c.2589C>T (p.Ser863=)

Gene: HCFC1 (host cell factor C1; minus strand). Cytogenetic location: Xq28.
Variant type: single nucleotide variant.
Coding change: c.2589C>T on transcript NM_005334.3 (MANE Select); coding-DNA position 2589, C replaced by T.
Protein change: p.Ser863=; no amino-acid change (serine 863 retained).
Molecular consequence: synonymous variant.
Genome position (GRCh38, 1-based): chrX:153,956,671, G>A on the plus strand (C>T on the coding strand, the complement: HCFC1 is on the minus strand). VCF-style: chrX-153956671-G-A. GRCh37 (hg19) VCF-style: chrX-153222122-G-A.
Identifiers: ClinVar variation 513953 (VCV000513953.9), dbSNP rs375755315, ClinGen allele CA10557307.

ClinVar aggregate classification (germline): Benign/Likely benign. Review status: criteria provided, multiple submitters, no conflicts (2 of 4 stars). 3 submissions from 3 submitters: Benign (1); Likely benign (2). Last evaluated 2025-12-24.

Conditions:
Methylmalonic acidemia with homocystinuria, type cblX (MAHCX). Also called: INTELLECTUAL DEVELOPMENTAL DISORDER, X-LINKED 3. Identifiers: Orphanet 369962, MedGen C0796208, MONDO:0010657, OMIM 309541.

Allele frequency attached by ClinVar (database versions not stated): gnomAD exomes 0.00005 and 0.00016; ExAC 0.00008; gnomAD 0.00008 and 0.00009; TOPMed 0.00011; ESP Exome Variant Server 0.00019.
gnomAD v4.1: 184 of 1,210,212 alleles (0.015%); highest among the groups gnomAD compares: Middle Eastern, 0.023%; no homozygotes.

Submissions (3):

Labcorp Genetics (formerly Invitae), Labcorp
Classification: Benign for Methylmalonic acidemia with homocystinuria, type cblX. Last evaluated: 2025-12-24. Review status: criteria provided, single submitter. Criteria: Invitae Variant Classification Sherloc (09022015). Collection method: clinical testing. Allele origin: germline.

Genetic Services Laboratory, University of Chicago
Classification: Likely benign. Last evaluated: 2018-04-25. Review status: criteria provided, single submitter. Criteria: ACMG Guidelines, 2015. Collection method: clinical testing. Allele origin: germline. Affected: no.

GeneDx
Classification: Likely benign. Last evaluated: 2017-12-21. Review status: criteria provided, single submitter. Criteria: GeneDx Variant Classification (06012015). Collection method: clinical testing. Allele origin: germline. Affected: yes.
Comment: This variant is considered likely benign or benign based on one or more of the following criteria: it is a conservative change, it occurs at a poorly conserved position in the protein, it is predicted to be benign by multiple in silico algorithms, and/or has population frequency not consistent with disease.